The following is an entry in ClinVar:

NM_014712.3(SETD1A):c.4094GGGAGGAAGAGG[3] (p.Glu1372_Glu1373insGlyGluGluGlu)

Gene: SETD1A (SET domain containing 1A, histone lysine methyltransferase; plus strand). Cytogenetic location: 16p11.2.
Variant type: Microsatellite.
Coding change: c.4094GGGAGGAAGAGG[3] on transcript NM_014712.3 (MANE Select); three copies in a row of the 12-base unit GGGAGGAAGAGG starting at c.4094; the reference has two copies in a row; one copy, 12 bases duplicated.
Protein change: p.Glu1372_Glu1373insGlyGluGluGlu.
Molecular consequence: inframe insertion.
Genome position (GRCh38, 1-based): chr16:30,979,892-30,979,903, GGGAGGAAGAGG duplicated; duplicating any 12 consecutive bases within chr16:30,979,876-30,979,903 gives the same sequence; the position shown is the placement nearest the transcript's 3' end. VCF-style (leftmost placement, unchanged base first): chr16-30979875-G-GGAGGGGGAGGAA. GRCh37 (hg19) VCF-style: chr16-30991196-G-GGAGGGGGAGGAA.
Identifiers: ClinVar variation 3368608 (VCV003368608.5).

ClinVar aggregate classification (germline): Conflicting classifications of pathogenicity. Review status: criteria provided, conflicting classifications (1 of 4 stars). 2 submissions from 2 submitters: Uncertain significance (1); Likely benign (1). Last evaluated 2026-01-01.

Submissions (2):

CeGaT Center for Human Genetics Tuebingen
Classification: Likely benign. Last evaluated: 2026-01-01. Review status: criteria provided, single submitter. Criteria: CeGaT Center For Human Genetics Tuebingen Variant Classification Criteria Version 2. Collection method: clinical testing. Allele origin: germline. Affected: yes. Observed: 1 variant allele.
Comment: SETD1A: BS1

GeneDx
Classification: Uncertain significance. Last evaluated: 2024-02-02. Review status: criteria provided, single submitter. Criteria: GeneDx Variant Classification Process June 2021. Collection method: clinical testing. Allele origin: germline. Affected: yes.
Comment: In-frame insertion of 4 amino acids in a non-repeat region; Has not been previously published as pathogenic or benign to our knowledge